The following is an entry in ClinVar:

ClinVar aggregate classification (germline): Likely benign. Review status: criteria provided, multiple submitters, no conflicts (2 of 4 stars). 2 submissions from 2 submitters: Likely benign (2). Last evaluated 2026-08-25.

Conditions:
Mucopolysaccharidosis, MPS-III-D (MPS3D). Also called: MUCOPOLYSACCHARIDOSIS, TYPE IIID; N-ACETYLGLUCOSAMINE-6-SULFATASE DEFICIENCY; SANFILIPPO SYNDROME D; MPS III D; Mucopoly-saccharidosis type 3D; N-acetylglucosamine-6-sulfate sulfatase deficiency. Identifiers: Orphanet 581, Orphanet 79272, MedGen C0086650, MONDO:0009658, OMIM 252940.
GNS-related disorder. Also called: GNS-related condition.

Allele frequency attached by ClinVar (database versions not stated): gnomAD exomes 0.00003 and 0.00002; ESP Exome Variant Server 0.00023; TOPMed 0.00002; ExAC 0.00003; gnomAD 0.00001.
gnomAD v4.1: 38 of 1,608,946 alleles (0.0024%); highest among the groups gnomAD compares: Non-Finnish European, 0.0031%; no homozygotes.

Submissions (2):

PreventionGenetics, part of Exact Sciences
Classification: Likely benign for GNS-related condition. Last evaluated: 2026-08-25. Review status: criteria provided, single submitter. Criteria: ACMG Guidelines, 2015. Collection method: clinical testing. Allele origin: germline.
Comment: This variant is classified as likely benign based on ACMG/AMP sequence variant interpretation guidelines (Richards et al. 2015 PMID: 25741868, with internal and published modifications).

Labcorp Genetics (formerly Invitae), Labcorp
Classification: Likely benign for Mucopolysaccharidosis, MPS-III-D. Last evaluated: 2023-11-20. Review status: criteria provided, single submitter. Criteria: Invitae Variant Classification Sherloc (09022015). Collection method: clinical testing. Allele origin: germline.

NM_002076.4(GNS):c.942G>A (p.Gly314=)

Gene: GNS (glucosamine (N-acetyl)-6-sulfatase; minus strand). Cytogenetic location: 12q14.3.
Variant type: single nucleotide variant.
Coding change: c.942G>A on transcript NM_002076.4 (MANE Select); coding-DNA position 942, G replaced by A.
Protein change: p.Gly314=; no amino-acid change (glycine 314 retained).
Molecular consequence: synonymous variant.
Genome position (GRCh38, 1-based): chr12:64,739,433, C>T on the plus strand (G>A on the coding strand, the complement: GNS is on the minus strand). VCF-style: chr12-64739433-C-T. GRCh37 (hg19) VCF-style: chr12-65133213-C-T.
Identifiers: ClinVar variation 793705 (VCV000793705.11), dbSNP rs376505567, ClinGen allele CA6669797.